The following is an entry in ClinVar:

NM_001252024.2(TRPM1):c.3127+18A>G

Genes: TRPM1 (transient receptor potential cation channel subfamily M member 1; minus strand), TRPM1-AS1 (TRPM1 antisense RNA 1; plus strand). Cytogenetic location: 15q13.3.
Variant type: single nucleotide variant.
Coding change: c.3127+18A>G on transcript NM_001252024.2 (MANE Select); 18 bases into the intron after coding-DNA position 3127, A replaced by G.
Molecular consequence: intron variant.
Genome position (GRCh38, 1-based): chr15:31,030,965, T>C on the plus strand (A>G on the coding strand, the complement: TRPM1 is on the minus strand). VCF-style: chr15-31030965-T-C. GRCh37 (hg19) VCF-style: chr15-31323168-T-C.
Other names: c.3178+18A>G (NM_001252020.2); c.3061+18A>G (NM_002420.6).
Identifiers: ClinVar variation 1897465 (VCV001897465.4), dbSNP rs118146641, ClinGen allele CA7451986.
Genomic context (GRCh38, chr15:31,030,965, plus strand): 5'-ATGTTCTTCCATTAATTTGGAACTGATCATCTGCCTCAGAAGCAGGGAAGAGAATCTTAC[T>C]ATGAATTCTACTCTTACGGTCTATCTGGTCTGCAAACACCTCTCCATAGATCATCCAGTA-3'

ClinVar aggregate classification (germline): Uncertain significance. Review status: criteria provided, multiple submitters, no conflicts (2 of 4 stars). 2 submissions from 2 submitters: Uncertain significance (2). Last evaluated 2023-10-27.

Allele frequency attached by ClinVar (database versions not stated): ExAC 0.00002; TOPMed 0.00002; gnomAD 0.00003; gnomAD exomes 0.00003; 1000 Genomes Project 30x 0.00016; 1000 Genomes Project 0.00020.
gnomAD v4.1: 48 of 1,614,014 alleles (0.003%); highest among the groups gnomAD compares: Non-Finnish European, 0.004%; no homozygotes.

Submissions (2):

Blueprint Genetics
Classification: Uncertain significance. Last evaluated: 2023-10-27. Review status: criteria provided, single submitter. Criteria: ACMG Guidelines, 2015. Collection method: clinical testing. Allele origin: germline.

Labcorp Genetics (formerly Invitae), Labcorp
Classification: Uncertain significance. Last evaluated: 2022-08-08. Review status: criteria provided, single submitter. Criteria: Invitae Variant Classification Sherloc (09022015). Collection method: clinical testing. Allele origin: germline.
Comment: This sequence change falls in intron 22 of the TRPM1 gene. It does not directly change the encoded amino acid sequence of the TRPM1 protein. This variant is present in population databases (rs118146641, gnomAD 0.004%). In summary, the available evidence is currently insufficient to determine the role of this variant in disease. Therefore, it has been classified as a Variant of Uncertain Significance. Algorithms developed to predict the effect of sequence changes on RNA splicing suggest that this variant may disrupt the consensus splice site. This variant has not been reported in the literature in individuals affected with TRPM1-related conditions.